The following is an entry in ClinVar:

NM_001358921.2(COQ2):c.712T>G (p.Phe238Val)

Gene: COQ2 (coenzyme Q2, polyprenyltransferase; minus strand). Cytogenetic location: 4q21.23.
Variant type: single nucleotide variant.
Coding change: c.712T>G on transcript NM_001358921.2 (MANE Select); coding-DNA position 712, T replaced by G.
Protein change: p.Phe238Val; replaces phenylalanine 238 with valine.
Molecular consequence: missense variant.
Genome position (GRCh38, 1-based): chr4:83,269,910, A>C on the plus strand (T>G on the coding strand, the complement: COQ2 is on the minus strand). VCF-style: chr4-83269910-A-C. GRCh37 (hg19) VCF-style: chr4-84191063-A-C.
Other names: c.862T>G, p.Phe288Val (NM_015697.9); short protein forms F238V, F288V.
Identifiers: ClinVar variation 1925522 (VCV001925522.3), dbSNP rs2529755973, ClinGen allele CA357229641.

ClinVar aggregate classification (germline): Uncertain significance (1 of 4 stars; one submission).

Submission:

Labcorp Genetics (formerly Invitae), Labcorp
Classification: Uncertain significance. Last evaluated: 2022-05-04. Review status: criteria provided, single submitter. Criteria: Invitae Variant Classification Sherloc (09022015). Collection method: clinical testing. Allele origin: germline.
Comment: Algorithms developed to predict the effect of missense changes on protein structure and function (SIFT, PolyPhen-2, Align-GVGD) all suggest that this variant is likely to be tolerated. In summary, the available evidence is currently insufficient to determine the role of this variant in disease. Therefore, it has been classified as a Variant of Uncertain Significance. This variant has not been reported in the literature in individuals affected with COQ2-related conditions. This variant is not present in population databases (gnomAD no frequency). This sequence change replaces phenylalanine, which is neutral and non-polar, with valine, which is neutral and non-polar, at codon 288 of the COQ2 protein (p.Phe288Val).